The following is an entry in ClinVar:

ClinVar aggregate classification (germline): Uncertain significance (1 of 4 stars; one submission).

Conditions:
Diamond-Blackfan anemia. Also called: Blackfan Diamond syndrome; Aregenerative anemia chronic congenital; Red cell aplasia, pure hereditary; Congenital hypoplastic anemia; Aase syndrome. Identifiers: Orphanet 124, MedGen C1260899, MeSH D029503, MONDO:0015253, HP:0004810.

Allele frequency attached by ClinVar (database versions not stated): ExAC 0.00001; TOPMed 0.00001; gnomAD 0.00002; gnomAD exomes 0.00003.
gnomAD v4.1: 41 of 1,613,494 alleles (0.0025%); highest among the groups gnomAD compares: Non-Finnish European, 0.0034%; no homozygotes.

Submission:

Ambry Genetics
Classification: Uncertain significance for Diamond-Blackfan anemia. Last evaluated: 2017-05-31. Review status: criteria provided, single submitter. Criteria: Ambry Variant Classification Scheme 2023. Collection method: clinical testing. Allele origin: germline.
Comment: The c.411+16G>C intronic variant results from a G to C substitution 16 nucleotides after coding exon 4 in the RPS19 gene. This nucleotide position is not well conserved in available vertebrate species. Using the BDGP and ESEfinder splice site prediction tools, this alteration is not predicted to have any significant effect on this splice acceptor/donor site; however, direct evidence is unavailable. Since supporting evidence is limited at this time, the clinical significance of this alteration remains unclear.

NM_001022.4(RPS19):c.411+16G>C

Genes: RPS19 (ribosomal protein S19; plus strand), RPS19-CD79A (RPS19-CD79A readthrough; plus strand). Cytogenetic location: 19q13.2.
Variant type: single nucleotide variant.
Coding change: c.411+16G>C on transcript NM_001022.4 (MANE Select); 16 bases into the intron after coding-DNA position 411, G replaced by C.
Molecular consequence: intron variant.
Genome position (GRCh38, 1-based): chr19:41,869,769, G>C. VCF-style: chr19-41869769-G-C. GRCh37 (hg19) VCF-style: chr19-42373839-G-C.
Other names: c.411+16G>C (NM_001321484.2, NM_001321483.2); c.424+16G>C (NM_001321485.2).
Identifiers: ClinVar variation 1737918 (VCV001737918.2), dbSNP rs782664193, ClinGen allele CA9465433.